The following is an entry in ClinVar:

ClinVar aggregate classification (germline): Uncertain significance (1 of 4 stars; one submission).

Allele frequency attached by ClinVar (database versions not stated): TOPMed 0.00001.

Submission:

Labcorp Genetics (formerly Invitae), Labcorp
Classification: Uncertain significance. Last evaluated: 2025-10-15. Review status: criteria provided, single submitter. Criteria: Invitae Variant Classification Sherloc (09022015). Collection method: clinical testing. Allele origin: germline.
Comment: This sequence change replaces histidine, which is basic and polar, with arginine, which is basic and polar, at codon 3452 of the KMT2A protein (p.His3452Arg). This variant is not present in population databases (gnomAD no frequency). This variant has not been reported in the literature in individuals affected with KMT2A-related conditions. ClinVar contains an entry for this variant (Variation ID: 2787588). Invitae Evidence Modeling of protein sequence and biophysical properties (such as structural, functional, and spatial information, amino acid conservation, physicochemical variation, residue mobility, and thermodynamic stability) indicates that this missense variant is not expected to disrupt KMT2A protein function with a negative predictive value of 95%. In summary, the available evidence is currently insufficient to determine the role of this variant in disease. Therefore, it has been classified as a Variant of Uncertain Significance.

NM_001197104.2(KMT2A):c.10355A>G (p.His3452Arg)

Gene: KMT2A (lysine methyltransferase 2A; plus strand). Cytogenetic location: 11q23.3.
Variant type: single nucleotide variant.
Coding change: c.10355A>G on transcript NM_001197104.2 (MANE Select); coding-DNA position 10355, A replaced by G.
Protein change: p.His3452Arg; replaces histidine 3452 with arginine.
Molecular consequence: missense variant.
Genome position (GRCh38, 1-based): chr11:118,506,247, A>G. VCF-style: chr11-118506247-A-G. GRCh37 (hg19) VCF-style: chr11-118376962-A-G.
Other names: c.10445A>G, p.His3482Arg (NM_001412597.1); c.10346A>G, p.His3449Arg (NM_005933.4); short protein forms H3452R, H3449R, H3482R.
Identifiers: ClinVar variation 2787588 (VCV002787588.3), dbSNP rs1950580688, ClinGen allele CA382825450.
Genomic context (GRCh38, chr11:118,506,247, plus strand): 5'-TCCCCTCCACTCAGACTACGGGCATAACAGCCGCTTCACCTTCTGGGGAAGCAGACGAAC[A>G]CTATCAGCTTCAGCATGTGAACCAGCTCCTTGCCAGCAAAACTGGGATTCATTCTTCCCA-3'
Protein context (NP_001184033.1, residues 3442-3462): AASPSGEADE[His3452Arg]YQLQHVNQLL